The following is an entry in ClinVar:

NM_007194.4(CHEK2):c.1383C>T (p.Asp461=)

Gene: CHEK2 (checkpoint kinase 2; minus strand). Cytogenetic location: 22q12.1.
Variant type: single nucleotide variant.
Coding change: c.1383C>T on transcript NM_007194.4 (MANE Select); coding-DNA position 1383, C replaced by T.
Protein change: p.Asp461=; no amino-acid change (aspartic acid 461 retained).
Molecular consequence: synonymous variant.
Genome position (GRCh38, 1-based): chr22:28,694,110, G>A on the plus strand (C>T on the coding strand, the complement: CHEK2 is on the minus strand). VCF-style: chr22-28694110-G-A. GRCh37 (hg19) VCF-style: chr22-29090098-G-A.
Other names: c.1512C>T, p.Asp504= (NM_001005735.3); c.720C>T, p.Asp240= (NM_001257387.3); c.1182C>T, p.Asp394= (NM_001349956.3); c.1296C>T, p.Asp432= (NM_145862.3); c.1383C>T (NM_007194.3).
Identifiers: ClinVar variation 3773634 (VCV003773634.2).
Genomic context (GRCh38, chr22:28,694,110, plus strand): 5'-TAAGGCTTCTTCTGTCGTAAAACGTGCCTTTGGATCCACTACCAACAACTTCTTGACAAG[G>A]TCCAGAGCTAAAGCAACAATTGGGCAAATCACAGTGAAAAGGATAAATATATTATCAGTA-3'
Protein context (NP_009125.1, residues 451-471): VWAEVSEKAL[Asp461=]LVKKLLVVDP

ClinVar aggregate classification (germline): Benign/Likely benign. Review status: criteria provided, multiple submitters, no conflicts (2 of 4 stars). 2 submissions from 2 submitters: Benign (1); Likely benign (1). Last evaluated 2025-12-21.

Conditions:
Hereditary cancer-predisposing syndrome. Also called: Hereditary Cancer Syndrome; Neoplastic Syndromes, Hereditary; Tumor predisposition; Hereditary neoplastic syndrome. Identifiers: Orphanet 140162, MedGen C0027672, MeSH D009386, MONDO:0015356.
Familial cancer of breast. Also called: BREAST CANCER, FAMILIAL; hereditary breast carcinoma; Hereditary breast cancer. Identifiers: Orphanet 227535, MedGen C0346153, MONDO:0016419, OMIM 114480. Disease mechanism: loss of function.

Submissions (2):

Ambry Genetics
Classification: Likely benign for Hereditary cancer-predisposing syndrome. Last evaluated: 2025-12-21. Review status: criteria provided, single submitter. Criteria: Ambry Variant Classification Scheme 2023. Collection method: clinical testing. Allele origin: germline.

Myriad Genetics, Inc.
Classification: Benign for Familial cancer of breast. Last evaluated: 2024-10-08. Review status: criteria provided, single submitter. Criteria: Myriad Autosomal Dominant, Autosomal Recessive and X-Linked Classification Criteria (2023). Collection method: clinical testing. Allele origin: unknown.
Comment: This variant is considered benign. This variant is a silent/synonymous amino acid change and it is not expected to impact splicing.